The following is an entry in ClinVar:

NM_000093.5(COL5A1):c.2049G>C (p.Leu683=)

Gene: COL5A1 (collagen type V alpha 1 chain; plus strand). Cytogenetic location: 9q34.3.
Variant type: single nucleotide variant.
Coding change: c.2049G>C on transcript NM_000093.5 (MANE Select); coding-DNA position 2049, G replaced by C.
Protein change: p.Leu683=; no amino-acid change (leucine 683 retained).
Molecular consequence: synonymous variant.
Genome position (GRCh38, 1-based): chr9:134,765,695, G>C. VCF-style: chr9-134765695-G-C. GRCh37 (hg19) VCF-style: chr9-137657541-G-C.
Other names: c.2049G>C, p.Leu683= (NM_001278074.1).
Identifiers: ClinVar variation 415441 (VCV000415441.14), dbSNP rs1060504529, ClinGen allele CA16612515.
Genomic context (GRCh38, chr9:134,765,695, plus strand): 5'-GGATTTCTGCCCGAGTTTAAATCCTATTTTCCCTTTCCTCTTACAGGGGCCACGTGGTCT[G>C]CTTGGGCCGAAGGGGCCCCCAGGTCCTCCCGGACCTCCCGTAAGTCCCATTACCGCCCTG-3'
Protein context (NP_000084.3, residues 673-693): GLPGEPGPRG[Leu683=]LGPKGPPGPP

ClinVar aggregate classification (germline): Likely benign. Review status: criteria provided, multiple submitters, no conflicts (2 of 4 stars). 3 submissions from 3 submitters: Likely benign (3). Last evaluated 2025-08-28.

Conditions:
Ehlers-Danlos syndrome, classic type, 1 (EDSCL1). Also called: EHLERS-DANLOS SYNDROME, GRAVIS TYPE; EHLERS-DANLOS SYNDROME, SEVERE CLASSIC TYPE; Ehlers-Danlos Syndrome, Classic Type, COL5A1-Related; EDS I; Ehlers-Danlos syndrome, type 1. Identifiers: MedGen C0268335, MONDO:0019567, OMIM 130000.
Familial thoracic aortic aneurysm and aortic dissection (TAAD). Also called: Thoracic aortic aneurysms and dissections. Identifiers: Orphanet 91387, MedGen C4707243, MONDO:0019625.

Allele frequency attached by ClinVar (database versions not stated): TOPMed below 0.00001.
gnomAD v4.1: 2 of 1,613,720 alleles (0.00012%); highest among the groups gnomAD compares: Non-Finnish European, 0.00017%; no homozygotes.

Submissions (3):

Labcorp Genetics (formerly Invitae), Labcorp
Classification: Likely benign for Ehlers-Danlos syndrome, classic type, 1. Last evaluated: 2025-08-28. Review status: criteria provided, single submitter. Criteria: Invitae Variant Classification Sherloc (09022015). Collection method: clinical testing. Allele origin: germline.

Ambry Genetics
Classification: Likely benign for Familial thoracic aortic aneurysm and aortic dissection. Last evaluated: 2023-10-27. Review status: criteria provided, single submitter. Criteria: Ambry Variant Classification Scheme 2023. Collection method: clinical testing. Allele origin: germline.

GeneDx
Classification: Likely benign. Last evaluated: 2017-04-18. Review status: criteria provided, single submitter. Criteria: GeneDx Variant Classification (06012015). Collection method: clinical testing. Allele origin: germline. Affected: yes.
Comment: This variant is considered likely benign or benign based on one or more of the following criteria: it is a conservative change, it occurs at a poorly conserved position in the protein, it is predicted to be benign by multiple in silico algorithms, and/or has population frequency not consistent with disease.